The following is an entry in ClinVar:

ClinVar aggregate classification (germline): Uncertain significance (1 of 4 stars; one submission).

Conditions:
Joubert syndrome 8 (JBTS8). Identifiers: Orphanet 475, MedGen C2676771, MONDO:0012855, OMIM 612291.

Allele frequency attached by ClinVar (database versions not stated): gnomAD 0.00001; gnomAD exomes 0.00001; TOPMed 0.00001.
gnomAD v4.1: 18 of 1,613,548 alleles (0.0011%); highest among the groups gnomAD compares: East Asian, 0.036%; no homozygotes.

Submission:

Labcorp Genetics (formerly Invitae), Labcorp
Classification: Uncertain significance for Joubert syndrome 8. Last evaluated: 2021-12-15. Review status: criteria provided, single submitter. Criteria: Invitae Variant Classification Sherloc (09022015). Collection method: clinical testing. Allele origin: germline.
Comment: This sequence change replaces valine, which is neutral and non-polar, with isoleucine, which is neutral and non-polar, at codon 304 of the ARL13B protein (p.Val304Ile). In summary, the available evidence is currently insufficient to determine the role of this variant in disease. Therefore, it has been classified as a Variant of Uncertain Significance. Algorithms developed to predict the effect of missense changes on protein structure and function output the following: SIFT: "Tolerated"; PolyPhen-2: "Benign"; Align-GVGD: "Class C0". The isoleucine amino acid residue is found in multiple mammalian species, which suggests that this missense change does not adversely affect protein function. This variant has not been reported in the literature in individuals affected with ARL13B-related conditions. This variant is not present in population databases (gnomAD no frequency).

NM_001174150.2(ARL13B):c.910G>A (p.Val304Ile)

Gene: ARL13B (ARF like GTPase 13B; plus strand). Cytogenetic location: 3q11.2.
Variant type: single nucleotide variant.
Coding change: c.910G>A on transcript NM_001174150.2 (MANE Select); coding-DNA position 910, G replaced by A.
Protein change: p.Val304Ile; replaces valine 304 with isoleucine.
Molecular consequence: missense variant. On other transcripts: non-coding transcript variant (2).
Genome position (GRCh38, 1-based): chr3:94,043,126, G>A. VCF-style: chr3-94043126-G-A. GRCh37 (hg19) VCF-style: chr3-93761970-G-A.
Other names: c.601G>A, p.Val201Ile (NM_001174151.2); c.865G>A, p.Val289Ile (NM_001321328.2); c.910G>A, p.Val304Ile (NM_001410782.1, NM_182896.3); c.589G>A, p.Val197Ile (NM_144996.4); short protein forms V197I, V289I, V304I, V201I.
Identifiers: ClinVar variation 2179880 (VCV002179880.2), dbSNP rs1481975288, ClinGen allele CA353679062.